The following is an entry in ClinVar:

NM_001379403.1(WDR26):c.390_412del (p.Leu132fs)

Gene: WDR26 (WD repeat domain 26; minus strand). Cytogenetic location: 1q42.12.
Variant type: Deletion.
Coding change: c.390_412del on transcript NM_001379403.1 (MANE Select); coding-DNA positions 390 to 412, 23 bases deleted (GGAACTCGCCTGCTTGTCGGCCC).
Protein change: p.Leu132fs; shifts the reading frame from leucine 132.
Molecular consequence: frameshift variant.
Genome position (GRCh38, 1-based): chr1:224,433,994-224,434,016, GGGCCGACAAGCAGGCGAGTTCC deleted on the plus strand (GGAACTCGCCTGCTTGTCGGCCC on the coding strand, the reverse complement: WDR26 is on the minus strand); deleting any 23 consecutive bases within chr1:224,433,994-224,434,019 gives the same sequence; the c. name uses the placement nearest the transcript's 3' end. VCF-style (leftmost placement, unchanged base first): chr1-224433993-TGGGCCGACAAGCAGGCGAGTTCC-T. GRCh37 (hg19) VCF-style: chr1-224621695-TGGGCCGACAAGCAGGCGAGTTCC-T.
Other names: c.90_112del, p.Leu32fs (NM_025160.7, NM_001115113.3); short protein forms L132fs, L32fs.
Identifiers: ClinVar variation 1325817 (VCV001325817.1), dbSNP rs2102930594, ClinGen allele CA2573051501.

ClinVar aggregate classification (germline): Pathogenic (1 of 4 stars; one submission).

Conditions:
Skraban-Deardorff syndrome. Also called: INTELLECTUAL DISABILITY WITH SEIZURES, ABNORMAL GAIT, AND DISTINCTIVE FACIAL FEATURES; WDR26-Related Intellectual Disability. Identifiers: Orphanet 513456, MedGen C4539927, MONDO:0054636, OMIM 617616.

Submission:

Institute of Human Genetics, University of Leipzig Medical Center
Classification: Pathogenic for Skraban-Deardorff syndrome. Last evaluated: 2021-11-03. Review status: criteria provided, single submitter. Criteria: ACMG Guidelines, 2015. Collection method: clinical testing. Allele origin: de novo. Affected: yes.
Comment: This variant was identified as de novo (maternity and paternity confirmed)._x000D_ Criteria applied: PVS1, PS2, PM2_SUP, PP4